The following is an entry in ClinVar:

ClinVar aggregate classification (germline): Conflicting classifications of pathogenicity. Review status: criteria provided, conflicting classifications (1 of 4 stars). 3 submissions from 3 submitters: Uncertain significance (1); Benign (1); Likely benign (1). Last evaluated 2025-10-01.

Conditions:
Familial sleep-related hypermotor epilepsy. Also called: Autosomal Dominant Sleep-Related Hypermotor (Hyperkinetic) Epilepsy. Identifiers: Orphanet 98784, MedGen C3696898, MONDO:0000030.

Allele frequency attached by ClinVar (database versions not stated): TOPMed 0.00004; ESP Exome Variant Server 0.00015; gnomAD exomes 0.00030 and 0.00060; ExAC 0.00050; gnomAD 0.00050 and 0.00055.
gnomAD v4.1: 509 of 1,614,090 alleles (0.032%); highest among the groups gnomAD compares: Admixed American, 0.0067%; 2 homozygotes.

Submissions (3):

Labcorp Genetics (formerly Invitae), Labcorp
Classification: Benign. Last evaluated: 2025-10-01. Review status: criteria provided, single submitter. Criteria: Invitae Variant Classification Sherloc (09022015). Collection method: clinical testing. Allele origin: germline.

Blueprint Genetics
Classification: Likely benign. Last evaluated: 2024-11-19. Review status: criteria provided, single submitter. Criteria: ACMG Guidelines, 2015. Collection method: clinical testing. Allele origin: germline.

GeneDx
Classification: Uncertain significance. Last evaluated: 2014-06-26. Review status: criteria provided, single submitter. Criteria: GeneDx Variant Classification (06012015). Collection method: clinical testing. Allele origin: germline. Affected: yes.
Comment: p.Gly329Gly (G329G) GGC>GGT: c.987 C>T in exon 6 of the CHRNA2 gene (NM_000742.3). The c.987 C>T variant has not been published as a mutation, nor has it been reported as a benign polymorphism to our knowledge. The c.987 C>T variant was not observed with any significant frequency in approximately 6,500 individuals of European and African American ancestry in the NHLBI Exome Sequencing Project. Multiple in silico algorithms predict that c.987 C>T could potentially create a cryptic donor site in exon 6 that may supplant the natural donor site. However, to our knowledge, no splice mutations have been reported in the CHRNA2 gene, and in the absence of RNA/functional studies, the actual effect of c.987 C>T is unknown. The variant is found in EPILEPSY panel(s).

NM_000742.4(CHRNA2):c.987C>T (p.Gly329=)

Gene: CHRNA2 (cholinergic receptor nicotinic alpha 2 subunit; minus strand). Cytogenetic location: 8p21.2.
Variant type: single nucleotide variant.
Coding change: c.987C>T on transcript NM_000742.4 (MANE Select); coding-DNA position 987, C replaced by T.
Protein change: p.Gly329=; no amino-acid change (glycine 329 retained).
Molecular consequence: synonymous variant.
Genome position (GRCh38, 1-based): chr8:27,463,456, G>A on the plus strand (C>T on the coding strand, the complement: CHRNA2 is on the minus strand). VCF-style: chr8-27463456-G-A. GRCh37 (hg19) VCF-style: chr8-27320973-G-A.
Other names: p.G329G:GGC>GGT; c.942C>T, p.Gly314= (NM_001282455.2); c.510C>T, p.Gly170= (NM_001347705.2, NM_001347706.2); c.393C>T, p.Gly131= (NM_001347707.2, NM_001347708.2).
Identifiers: ClinVar variation 204990 (VCV000204990.11), dbSNP rs147530139, ClinGen allele CA313500.